The following is an entry in ClinVar:

NM_018139.3(DNAAF2):c.731C>A (p.Ala244Glu)

Gene: DNAAF2 (dynein axonemal assembly factor 2; minus strand). Cytogenetic location: 14q21.3.
Variant type: single nucleotide variant.
Coding change: c.731C>A on transcript NM_018139.3 (MANE Select); coding-DNA position 731, C replaced by A.
Protein change: p.Ala244Glu; replaces alanine 244 with glutamic acid.
Molecular consequence: missense variant.
Genome position (GRCh38, 1-based): chr14:49,634,419, G>T on the plus strand (C>A on the coding strand, the complement: DNAAF2 is on the minus strand). VCF-style: chr14-49634419-G-T. GRCh37 (hg19) VCF-style: chr14-50101137-G-T.
Other names: c.731C>A, p.Ala244Glu (NM_001083908.2); short protein forms A244E.
Identifiers: ClinVar variation 313283 (VCV000313283.17), dbSNP rs112700048, ClinGen allele CA7173042.

ClinVar aggregate classification (germline): Conflicting classifications of pathogenicity. Review status: criteria provided, conflicting classifications (1 of 4 stars). 3 submissions from 3 submitters: Uncertain significance (2); Likely benign (1). Last evaluated 2023-03-26.

Conditions:
Primary ciliary dyskinesia 10. Also called: CILIARY DYSKINESIA, PRIMARY, 10, WITH OR WITHOUT SITUS INVERSUS. Identifiers: Orphanet 244, MedGen C2675867, MONDO:0012918, OMIM 612518.
Primary ciliary dyskinesia. Also called: Ciliary dyskinesia. Identifiers: Orphanet 244, MedGen C0008780, MONDO:0016575, HP:0012265.

Allele frequency attached by ClinVar (database versions not stated): gnomAD exomes 0.00012; ExAC 0.00022; 1000 Genomes Project 30x 0.00031; TOPMed 0.00061; gnomAD 0.00062 and 0.00068; ESP Exome Variant Server 0.00090.
gnomAD v4.1: 178 of 1,569,946 alleles (0.011%); highest among the groups gnomAD compares: African/African-American, 0.22%; no homozygotes.

Submissions (3):

Ambry Genetics
Classification: Likely benign for Primary ciliary dyskinesia. Last evaluated: 2023-03-26. Review status: criteria provided, single submitter. Criteria: Ambry Variant Classification Scheme 2023. Collection method: clinical testing. Allele origin: germline.

Labcorp Genetics (formerly Invitae), Labcorp
Classification: Uncertain significance for Primary ciliary dyskinesia. Last evaluated: 2022-09-01. Review status: criteria provided, single submitter. Criteria: Invitae Variant Classification Sherloc (09022015). Collection method: clinical testing. Allele origin: germline.
Comment: This sequence change replaces alanine, which is neutral and non-polar, with glutamic acid, which is acidic and polar, at codon 244 of the DNAAF2 protein (p.Ala244Glu). This variant is present in population databases (rs112700048, gnomAD 0.2%). This variant has not been reported in the literature in individuals affected with DNAAF2-related conditions. ClinVar contains an entry for this variant (Variation ID: 313283). Algorithms developed to predict the effect of missense changes on protein structure and function output the following: SIFT: "Tolerated"; PolyPhen-2: "Benign"; Align-GVGD: "Class C0". The glutamic acid amino acid residue is found in multiple mammalian species, which suggests that this missense change does not adversely affect protein function. In summary, the available evidence is currently insufficient to determine the role of this variant in disease. Therefore, it has been classified as a Variant of Uncertain Significance.

Illumina Laboratory Services, Illumina
Classification: Uncertain significance for Primary ciliary dyskinesia 10. Last evaluated: 2018-01-13. Review status: criteria provided, single submitter. Criteria: ICSL Variant Classification Criteria 13 December 2019. Collection method: clinical testing. Allele origin: germline.